The following is an entry in ClinVar:

NM_001394372.1(BICRA):c.632T>A (p.Ile211Asn)

Gene: BICRA (BRD4 interacting chromatin remodeling complex associated protein; plus strand). Cytogenetic location: 19q13.33.
Variant type: single nucleotide variant.
Coding change: c.632T>A on transcript NM_001394372.1 (MANE Select); coding-DNA position 632, T replaced by A.
Protein change: p.Ile211Asn; replaces isoleucine 211 with asparagine.
Molecular consequence: missense variant.
Genome position (GRCh38, 1-based): chr19:47,679,802, T>A. VCF-style: chr19-47679802-T-A. GRCh37 (hg19) VCF-style: chr19-48183059-T-A.
Other names: c.632T>A, p.Ile211Asn (NM_015711.3); short protein forms I211N.
Identifiers: ClinVar variation 3358008 (VCV003358008.1).

ClinVar aggregate classification (germline): Uncertain significance (0 of 4 stars; one submission).

Conditions:
BICRA-related disorder. Also called: BICRA-related condition.

Submission:

PreventionGenetics, part of Exact Sciences
Classification: Uncertain significance for BICRA-related condition. Last evaluated: 2024-06-20. Review status: no assertion criteria provided. Collection method: clinical testing. Allele origin: germline.
Comment: The BICRA c.632T>A variant is predicted to result in the amino acid substitution p.Ile211Asn. To our knowledge, this variant has not been reported in the literature or in a large population database, indicating this variant is rare. At this time, the clinical significance of this variant is uncertain due to the absence of conclusive functional and genetic evidence.